The following is an entry in ClinVar:

ClinVar aggregate classification (germline): Uncertain significance. Review status: criteria provided, multiple submitters, no conflicts (2 of 4 stars). 12 submissions from 12 submitters: Uncertain significance (11). 1 of the submissions does not count toward it. Last evaluated 2026-01-27.

Conditions:
MYH6-related cardiovascular disease.
Cardiovascular phenotype. Identifiers: MedGen CN230736.
Dilated cardiomyopathy 1EE (CMD1EE). Identifiers: Orphanet 154, MedGen C2750466, MONDO:0013198, OMIM 613252.
Hypertrophic cardiomyopathy 14. Identifiers: MedGen C2750467, MONDO:0013197, OMIM 613251.
Sick sinus syndrome 3, susceptibility to (SSS3). Identifiers: Orphanet 166282, MedGen C3279791, MONDO:0013568, OMIM 614090.
Atrial septal defect 3 (ASD3). Identifiers: Orphanet 1478, MedGen C3279790, MONDO:0013567, OMIM 614089.
Hypertrophic cardiomyopathy 1 (CMH1). Also called: Familial hypertrophic cardiomyopathy 1; MYH7-Related Familial Hypertrophic Cardiomyopathy. Identifiers: MedGen C3495498, MONDO:0008647, OMIM 192600.

Allele frequency attached by ClinVar (database versions not stated): gnomAD exomes 0.00003; TOPMed 0.00003; ExAC 0.00004; gnomAD 0.00004 and 0.00005; 1000 Genomes Project 30x 0.00016; 1000 Genomes Project 0.00020.
gnomAD v4.1: 48 of 1,613,700 alleles (0.003%); highest among the groups gnomAD compares: South Asian, 0.0077%; no homozygotes.

Submissions (12):

GeneDx
Classification: Uncertain significance. Last evaluated: 2026-01-27. Review status: criteria provided, single submitter. Criteria: GeneDx Variant Classification Process June 2021. Collection method: clinical testing. Allele origin: germline. Affected: yes.
Comment: Identified in association with HCM in published literature (PMID: 25351510, 28082330); In silico analysis supports that this missense variant has a deleterious effect on protein structure/function; This variant is associated with the following publications: (PMID: 28082330, 25351510)

Labcorp Genetics (formerly Invitae), Labcorp
Classification: Uncertain significance for Hypertrophic cardiomyopathy 14. Last evaluated: 2025-11-25. Review status: criteria provided, single submitter. Criteria: Invitae Variant Classification Sherloc (09022015). Collection method: clinical testing. Allele origin: germline.
Comment: This sequence change replaces arginine, which is basic and polar, with histidine, which is basic and polar, at codon 1361 of the MYH6 protein (p.Arg1361His). This variant is present in population databases (rs533942127, gnomAD 0.008%). This missense change has been observed in individual(s) with hypertrophic cardiomyopathy (PMID: 25351510, 28082330). ClinVar contains an entry for this variant (Variation ID: 179607). Invitae Evidence Modeling of protein sequence and biophysical properties (such as structural, functional, and spatial information, amino acid conservation, physicochemical variation, residue mobility, and thermodynamic stability) indicates that this missense variant is expected to disrupt MYH6 protein function with a positive predictive value of 80%. In summary, the available evidence is currently insufficient to determine the role of this variant in disease. Therefore, it has been classified as a Variant of Uncertain Significance.

Ambry Genetics
Classification: Uncertain significance for Cardiovascular phenotype. Last evaluated: 2025-03-21. Review status: criteria provided, single submitter. Criteria: Ambry Variant Classification Scheme 2023. Collection method: clinical testing. Allele origin: germline.
Comment: The p.R1361H variant (also known as c.4082G>A), located in coding exon 27 of the MYH6 gene, results from a G to A substitution at nucleotide position 4082. The arginine at codon 1361 is replaced by histidine, an amino acid with highly similar properties. This alteration has been reported in a hypertrophic cardiomyopathy (HCM) cohort; however, clinical details were limited (Lopes LR et al. Heart, 2015 Feb;101:294-301). This amino acid position is highly conserved in available vertebrate species. In addition, this alteration is predicted to be deleterious by in silico analysis. Since supporting evidence is limited at this time, the clinical significance of this alteration remains unclear.

Mayo Clinic Laboratories, Mayo Clinic
Classification: Uncertain significance. Last evaluated: 2022-10-25. Review status: criteria provided, single submitter. Criteria: ACMG Guidelines, 2015. Collection method: clinical testing. Allele origin: germline. Observed: 1 variant allele.
Comment: PP3

Victorian Clinical Genetics Services, Murdoch Childrens Research Institute
Classification: Uncertain significance for Atrial septal defect 3. Last evaluated: 2022-06-24. Review status: criteria provided, single submitter. Criteria: ACMG Guidelines, 2015. Collection method: clinical testing. Allele origin: germline. Inheritance: Autosomal dominant inheritance. Affected: yes.
Comment: Based on the classification scheme VCGS_Germline_v1.3.4, this variant is classified as VUS-3B. Following criteria are met: 0105 - The mechanism of disease for this gene is not clearly established. GoF has been suggested for specific missense variants (PMID: 20656787). (I) 0107 - This gene is associated with autosomal dominant disease. (I) 0112 - The condition associated with this gene has incomplete penetrance (PMID: 22194935). (I) 0200 - Variant is predicted to result in a missense amino acid change from arginine to histidine. (I) 0251 - This variant is heterozygous. (I) 0302 - Variant is present in gnomAD (v2) <0.001 for a dominant condition (9 heterozygotes, 0 homozygotes). (SP) 0309 - An alternative amino acid change at the same position has been observed in gnomAD (v2) (4 heterozygotes, 0 homozygotes). (I) 0501 - Missense variant consistently predicted to be damaging by multiple in silico tools or highly conserved with a major amino acid change. (SP) 0600 - Variant is located in the annotated myosin tail domain (DECIPHER). (I) 0705 - No comparable missense variants have previous evidence for pathogenicity. (I) 0809 - Previous evidence of pathogenicity for this variant is inconclusive. This variant has been identified in a hypertrophic cardiomyopathy cohort (PMID: 25351510). It is also reported multiple times as a VUS in ClinVar, and once as likely benign in LOVD. (I) 0905 - No published segregation evidence has been identified for this variant. (I) 1007 - No published functional evidence has been identified for this variant. (I) Legend: (SP) - Supporting pathogenic, (I) - Information, (SB) - Supporting benign

Fulgent Genetics
Classification: Uncertain significance for Hypertrophic cardiomyopathy 1; Hypertrophic cardiomyopathy 14; Dilated cardiomyopathy 1EE; Atrial septal defect 3; Sick sinus syndrome 3, susceptibility to. Last evaluated: 2021-12-20. Review status: criteria provided, single submitter. Criteria: ACMG Guidelines, 2015. Collection method: clinical testing. Allele origin: unknown.

Revvity Omics, Revvity
Classification: Uncertain significance. Last evaluated: 2021-07-02. Review status: criteria provided, single submitter. Criteria: ACMG Guidelines, 2015. Collection method: clinical testing. Allele origin: germline.

Laboratory for Molecular Medicine, Mass General Brigham Personalized Medicine
Classification: Uncertain significance. Last evaluated: 2021-03-31. Review status: criteria provided, single submitter. Criteria: LMM Criteria. Collection method: clinical testing. Allele origin: germline. Inheritance: Autosomal dominant inheritance. Observed: 1 variant allele.
Comment: The p.Arg1361His variant in MYH6 has been reported in 1 individual with HCM (Lopes 2015 PMID: 25351510). It has also been identified in 0.008% (2/24960) of African chromosomes by gnomAD and has been reported as a variant of uncertain significance in ClinVar (Variation ID 179607). Computational prediction tools and conservation analyses suggest that this variant may impact the protein, though this information is not predictive enough to determine pathogenicity. In summary, the clinical significance of this variant is uncertain. ACMG/AMP Criteria applied: PM2_Supporting, PP3.

Women's Health and Genetics/Laboratory Corporation of America, LabCorp
Classification: Uncertain significance. Last evaluated: 2019-10-07. Review status: criteria provided, single submitter. Criteria: LabCorp Variant Classification Summary - May 2015. Collection method: clinical testing. Allele origin: germline.
Comment: Variant summary: MYH6 c.4082G>A (p.Arg1361His) results in a non-conservative amino acid change located in the Myosin tail domain (IPR002928) of the encoded protein sequence. Five of five in-silico tools predict a damaging effect of the variant on protein function. The variant allele was found at a frequency of 3.2e-05 in 251410 control chromosomes. The available data on variant occurrences in the general population are insufficient to allow any conclusion about variant significance. c.4082G>A has been reported in the literature in at-least two cases of individuals affected with Hypertrophic Cardiomyopathy (HCM) (Walsh_2017). These report(s) do not provide unequivocal conclusions about association of the variant with Cardiomyopathy. Co-occurrence with another pathogenic variant(s) has been observed at our laboratory (MYH7 c.2539A>G, p.Lys847Glu), providing supporting evidence for a benign role. To our knowledge, no experimental evidence demonstrating an impact on protein function has been reported. One clinical diagnostic laboratory has submitted clinical-significance assessments for this variant to ClinVar after 2014 without evidence for independent evaluation and classified the variant as uncertain significance. Based on the evidence outlined above, the variant was classified as uncertain significance.

Juno Genomics, Hangzhou Juno Genomics, Inc
Classification: Uncertain significance for Sick sinus syndrome 3, susceptibility to; Atrial septal defect 3; Dilated cardiomyopathy 1EE; Hypertrophic cardiomyopathy 14. Review status: criteria provided, single submitter. Criteria: ACMG Guidelines, 2015. Collection method: clinical testing. Allele origin: germline.
Comment: Absent from controls (or at extremely low frequency if recessive) in Genome Aggregation Database.;Missense variant in a gene that has a low rate of benign missense variation.;Multiple lines of computational evidence support a deleterious effect on the gene or gene product.

Petrovsky National Research Centre of Surgery, The Federal Agency for Scientific Organizations
Classification: Uncertain significance for MYH6-related cardiovascular disease. Review status: criteria provided, single submitter. Criteria: ACMG Guidelines, 2015. Collection method: clinical testing. Allele origin: germline. Affected: yes.
Comment: This variant is in The Genome Aggregation Database (gnomAD) v4.1. with total MAF 0.00002975 (Date of access 31-07-2024). This variant has been reported in study (PMID: 28082330) in patients with HCM phenotypes. In accordance with ACMG(2015) this variant is classified as Variant of Uncertain Significance (VUS) with following criteria selected: PM2, PP2, PP3.

Department of Pathology and Laboratory Medicine, Sinai Health System
Classification: Uncertain significance. Review status: no assertion criteria provided. Collection method: clinical testing. Allele origin: unknown. Affected: yes. Study: The Canadian Open Genetics Repository (COGR). Not counted in ClinVar's aggregate classification.
Comment: The MYH6 p.Arg1361His variant was identified in 1 of 1748 proband chromosomes (frequency 0.000572) from individuals with hypertrophic cardiomyopathy (Lopes_2014_ PMID:25351510). The variant was identified in dbSNP (ID: rs533942127) and ClinVar (classified as uncertain significance by Ambry and the Laboratory for Molecular Medicine). The variant was also identified in LOVD 3.0 where it was classified as likely benign. The variant was identified in control databases in 9 of 282790 chromosomes at a frequency of 0.00003183 (Genome Aggregation Database March 6, 2019, v2.1.1). The variant was observed in the following populations: African in 2 of 24960 chromosomes (freq: 0.00008), East Asian in 1 of 19952 chromosomes (freq: 0.00005), South Asian in 1 of 30616 chromosomes (freq: 0.000033), European (non-Finnish) in 4 of 129126 chromosomes (freq: 0.000031) and Latino in 1 of 35436 chromosomes (freq: 0.000028), but was not observed in the Ashkenazi Jewish, European (Finnish), or Other populations. The p.Arg1361 residue is conserved in mammals and computational analyses (PolyPhen-2, SIFT, AlignGVGD, BLOSUM, MutationTaster) provide inconsistent predictions regarding the impact to the protein; this information is not very predictive of pathogenicity. The variant occurs outside of the splicing consensus sequence and three of four in silico or computational prediction software programs (SpliceSiteFinder, MaxEntScan, NNSPLICE, GeneSplicer) do not predict a difference in splicing. In summary, based on the above information the clinical significance of this variant cannot be determined with certainty at this time. This variant is classified as a variant of uncertain significance.

Literature cited by the submitters: PubMed 25351510 (cited by 5 submitters); PubMed 28082330 (cited by 3 submitters); PubMed 20656787 (cited by Victorian Clinical Genetics Services, Murdoch Childrens Research Institute); PubMed 22194935 (cited by Victorian Clinical Genetics Services, Murdoch Childrens Research Institute).

NM_002471.4(MYH6):c.4082G>A (p.Arg1361His)

Gene: MYH6 (myosin heavy chain 6; minus strand). Cytogenetic location: 14q11.2.
Variant type: single nucleotide variant.
Coding change: c.4082G>A on transcript NM_002471.4 (MANE Select); coding-DNA position 4082, G replaced by A.
Protein change: p.Arg1361His; replaces arginine 1361 with histidine.
Molecular consequence: missense variant.
Genome position (GRCh38, 1-based): chr14:23,388,952, C>T on the plus strand (G>A on the coding strand, the complement: MYH6 is on the minus strand). VCF-style: chr14-23388952-C-T. GRCh37 (hg19) VCF-style: chr14-23858161-C-T.
Other names: short protein forms R1361H.
Identifiers: ClinVar variation 179607 (VCV000179607.40), dbSNP rs533942127, ClinGen allele CA184770.